The following is an entry in ClinVar:

NM_000069.3(CACNA1S):c.901-14T>G

Gene: CACNA1S (calcium voltage-gated channel subunit alpha1 S; minus strand). Cytogenetic location: 1q32.1.
Variant type: single nucleotide variant.
Coding change: c.901-14T>G on transcript NM_000069.3 (MANE Select); 14 bases into the intron before coding-DNA position 901, T replaced by G.
Molecular consequence: intron variant.
Genome position (GRCh38, 1-based): chr1:201,087,943, A>C on the plus strand (T>G on the coding strand, the complement: CACNA1S is on the minus strand). VCF-style: chr1-201087943-A-C. GRCh37 (hg19) VCF-style: chr1-201057071-A-C.
Identifiers: ClinVar variation 3073099 (VCV003073099.1), dbSNP rs2464608522, ClinGen allele CA2825000886.
Genomic context (GRCh38, chr1:201,087,943, plus strand): 5'-GTGACAAAATAGATCCAGGGCCACTCATTCCCGATGGCATCATTGACCTGGTCAGGACAG[A>C]AGTGTGATCCTCTGAGTTGAGGGCTTGGTTCCTCTTCCCCAAGTCTGCTCATTAAGACTC-3'

ClinVar aggregate classification (germline): Uncertain significance (1 of 4 stars; one submission).

Conditions:
Malignant hyperthermia, susceptibility to, 5 (MHS5). Also called: CACNA1S-Related Malignant Hyperthermia Susceptibility. Identifiers: Orphanet 423, MedGen C1866077, MONDO:0011163, OMIM 601887.

Submission:

All of Us Research Program, National Institutes of Health
Classification: Uncertain significance for Malignant hyperthermia, susceptibility to, 5. Last evaluated: 2023-08-23. Review status: criteria provided, single submitter. Criteria: ACMG Guidelines, 2015. Collection method: clinical testing. Allele origin: germline. Inheritance: Autosomal dominant inheritance. Observed: 1 variant allele, 1 heterozygote.
Comment: This variant causes a T to G nucleotide substitution at the -14 position of intron 6 of the CACNA1S gene. To our knowledge, functional studies have not been reported for this variant. This variant has not been reported in individuals affected with CACNA1S-related disorders in the literature. This variant has not been identified in the general population by the Genome Aggregation Database (gnomAD). The available evidence is insufficient to determine the role of this variant in disease conclusively. Therefore, this variant is classified as a Variant of Uncertain Significance.

This study involves interpretation of variants in research participants for the purpose of population health screening. Participant phenotype was not available at the time of variant classification. Additional details can be found in publication PMID: 35346344, PMCID: PMC8962531